The following is an entry in ClinVar:

NM_005228.5(EGFR):c.1678C>A (p.Pro560Thr)

Gene: EGFR (epidermal growth factor receptor; plus strand). Cytogenetic location: 7p11.2.
Variant type: single nucleotide variant.
Coding change: c.1678C>A on transcript NM_005228.5 (MANE Select); coding-DNA position 1678, C replaced by A.
Protein change: p.Pro560Thr; replaces proline 560 with threonine.
Molecular consequence: missense variant.
Genome position (GRCh38, 1-based): chr7:55,163,779, C>A. VCF-style: chr7-55163779-C-A. GRCh37 (hg19) VCF-style: chr7-55231472-C-A.
Other names: c.1543C>A, p.Pro515Thr (NM_001346897.2, NM_001346899.2); c.1678C>A, p.Pro560Thr (NM_001346898.2, NM_201282.2, NM_201284.2); c.1519C>A, p.Pro507Thr (NM_001346900.2); c.877C>A, p.Pro293Thr (NM_001346941.2); short protein forms P293T, P507T, P515T, P560T.
Identifiers: ClinVar variation 936579 (VCV000936579.8), dbSNP rs748219780, ClinGen allele CA4265657.

ClinVar aggregate classification (germline): Conflicting classifications of pathogenicity. Review status: criteria provided, conflicting classifications (1 of 4 stars). 2 submissions from 2 submitters: Uncertain significance (1); Likely benign (1). Last evaluated 2025-08-18.

Conditions:
EGFR-related lung cancer (EGFR). Identifiers: MedGen CN130014.
Hereditary cancer-predisposing syndrome. Also called: Tumor predisposition; Hereditary neoplastic syndrome; Hereditary Cancer Syndrome; Neoplastic Syndromes, Hereditary. Identifiers: Orphanet 140162, MedGen C0027672, MeSH D009386, MONDO:0015356.

Allele frequency attached by ClinVar (database versions not stated): ExAC 0.00001; gnomAD 0.00001; TOPMed 0.00001.
gnomAD v4.1: 8 of 1,614,080 alleles (0.0005%); highest among the groups gnomAD compares: South Asian, 0.0022%; no homozygotes.

Submissions (2):

Labcorp Genetics (formerly Invitae), Labcorp
Classification: Uncertain significance for EGFR-related lung cancer. Last evaluated: 2025-08-18. Review status: criteria provided, single submitter. Criteria: Invitae Variant Classification Sherloc (09022015). Collection method: clinical testing. Allele origin: germline.
Comment: This sequence change replaces proline, which is neutral and non-polar, with threonine, which is neutral and polar, at codon 560 of the EGFR protein (p.Pro560Thr). This variant is present in population databases (rs748219780, gnomAD 0.003%). This variant has not been reported in the literature in individuals affected with EGFR-related conditions. ClinVar contains an entry for this variant (Variation ID: 936579). Invitae Evidence Modeling of protein sequence and biophysical properties (such as structural, functional, and spatial information, amino acid conservation, physicochemical variation, residue mobility, and thermodynamic stability) indicates that this missense variant is not expected to disrupt EGFR protein function with a negative predictive value of 80%. In summary, the available evidence is currently insufficient to determine the role of this variant in disease. Therefore, it has been classified as a Variant of Uncertain Significance.

Ambry Genetics
Classification: Likely benign for Hereditary cancer-predisposing syndrome. Last evaluated: 2025-05-27. Review status: criteria provided, single submitter. Criteria: Ambry Variant Classification Scheme 2023. Collection method: clinical testing. Allele origin: germline.